The following is an entry in ClinVar:

ClinVar aggregate classification (germline): Uncertain significance (1 of 4 stars; one submission).

Conditions:
Charcot-Marie-Tooth disease dominant intermediate B (CMTDIB). Also called: CHARCOT-MARIE-TOOTH NEUROPATHY, DOMINANT INTERMEDIATE B; Charcot-Marie-Tooth disease dominant intermediate 1; CMT DI1; Charcot-Marie-Tooth disease dominant intermediate I. Identifiers: Orphanet 100044, Orphanet 228179, MedGen C1847902, MONDO:0011674, OMIM 606482.

gnomAD v4.1: 26 of 1,613,532 alleles (0.0016%); highest among the groups gnomAD compares: African/African-American, 0.0027%; no homozygotes.

Submission:

Labcorp Genetics (formerly Invitae), Labcorp
Classification: Uncertain significance for Charcot-Marie-Tooth disease dominant intermediate B. Last evaluated: 2024-09-14. Review status: criteria provided, single submitter. Criteria: Invitae Variant Classification Sherloc (09022015). Collection method: clinical testing. Allele origin: germline.
Comment: This sequence change replaces proline, which is neutral and non-polar, with leucine, which is neutral and non-polar, at codon 828 of the DNM2 protein (p.Pro828Leu). This variant is present in population databases (rs778083613, gnomAD 0.003%). This variant has not been reported in the literature in individuals affected with DNM2-related conditions. Invitae Evidence Modeling of protein sequence and biophysical properties (such as structural, functional, and spatial information, amino acid conservation, physicochemical variation, residue mobility, and thermodynamic stability) has been performed for this missense variant. However, the output from this modeling did not meet the statistical confidence thresholds required to predict the impact of this variant on DNM2 protein function. In summary, the available evidence is currently insufficient to determine the role of this variant in disease. Therefore, it has been classified as a Variant of Uncertain Significance.

NM_001005361.3(DNM2):c.2483C>T (p.Pro828Leu)

Gene: DNM2 (dynamin 2; plus strand). Cytogenetic location: 19p13.2.
Variant type: single nucleotide variant.
Coding change: c.2483C>T on transcript NM_001005361.3 (MANE Select); coding-DNA position 2483, C replaced by T.
Protein change: p.Pro828Leu; replaces proline 828 with leucine.
Molecular consequence: missense variant.
Genome position (GRCh38, 1-based): chr19:10,830,318, C>T. VCF-style: chr19-10830318-C-T. GRCh37 (hg19) VCF-style: chr19-10940994-C-T.
Other names: c.2483C>T, p.Pro828Leu (NM_001005360.3, NM_001190716.2); c.2471C>T, p.Pro824Leu (NM_001005362.3, NM_004945.4); short protein forms P824L, P828L.
Identifiers: ClinVar variation 3624958 (VCV003624958.2).